The following is an entry in ClinVar:

ClinVar aggregate classification (germline): Uncertain significance (1 of 4 stars; one submission).

Submission:

GeneDx
Classification: Uncertain significance. Last evaluated: 2026-02-24. Review status: criteria provided, single submitter. Criteria: GeneDx Variant Classification Process June 2021. Collection method: clinical testing. Allele origin: germline.
Comment: Not observed at significant frequency in large population cohorts (gnomAD); Missense variant in a gene in which most reported pathogenic variants are truncating/loss of function; Has not been previously published as pathogenic or benign to our knowledge

NM_001267550.2(TTN):c.30455G>T (p.Arg10152Leu)

Gene: TTN (titin; minus strand). Cytogenetic location: 2q31.2.
Variant type: single nucleotide variant.
Coding change: c.30455G>T on transcript NM_001267550.2 (MANE Select); coding-DNA position 30455, G replaced by T.
Protein change: p.Arg10152Leu; replaces arginine 10152 with leucine.
Molecular consequence: missense variant. On other transcripts: intron variant (3).
Genome position (GRCh38, 1-based): chr2:178,702,224, C>A on the plus strand (G>T on the coding strand, the complement: TTN is on the minus strand). VCF-style: chr2-178702224-C-A. GRCh37 (hg19) VCF-style: chr2-179566951-C-A.
Other names: c.29504G>T, p.Arg9835Leu (NM_001256850.1); c.26723G>T, p.Arg8908Leu (NM_133378.4); c.13282+35858G>T (NM_003319.4); c.13858+35858G>T (NM_133437.4); c.13657+35858G>T (NM_133432.3); short protein forms R10152L, R8908L, R9835L.
Identifiers: ClinVar variation 4887895 (VCV004887895.1).